The following is an entry in ClinVar:

NM_001244008.2(KIF1A):c.*3596C>T

Gene: KIF1A (kinesin family member 1A; minus strand). Cytogenetic location: 2q37.3.
Variant type: single nucleotide variant.
Coding change: c.*3596C>T on transcript NM_001244008.2 (MANE Select); 3596 bases downstream of the stop codon, C replaced by T.
Molecular consequence: 3 prime UTR variant.
Genome position (GRCh38, 1-based): chr2:240,713,768, G>A on the plus strand (C>T on the coding strand, the complement: KIF1A is on the minus strand). VCF-style: chr2-240713768-G-A. GRCh37 (hg19) VCF-style: chr2-241653185-G-A.
Other names: c.*3596C>T (NM_001320705.2, NM_001330289.2, NM_001330290.2 and 20 more transcripts).
Identifiers: ClinVar variation 335208 (VCV000335208.6), dbSNP rs143001518, ClinGen allele CA10612872.

ClinVar aggregate classification (germline): Likely benign. Review status: criteria provided, multiple submitters, no conflicts (2 of 4 stars). 2 submissions from 2 submitters: Likely benign (2). Last evaluated 2018-01-13.

Conditions:
Hereditary spastic paraplegia 30. Identifiers: Orphanet 101010, MedGen C5235139, MONDO:0012476.

Allele frequency attached by ClinVar (database versions not stated): gnomAD 0.01122 and 0.01152; TOPMed 0.01312; 1000 Genomes Project 0.01418; 1000 Genomes Project 30x 0.01483.

Submissions (2):

Illumina Laboratory Services, Illumina
Classification: Likely benign for Spastic paraplegia 30A, autosomal dominant. Last evaluated: 2018-01-13. Review status: criteria provided, single submitter. Criteria: ICSL Variant Classification Criteria 13 December 2019. Collection method: clinical testing. Allele origin: germline.
Comment: This variant was observed in the ICSL laboratory as part of a predisposition screen in an ostensibly healthy population. It had not been previously curated by ICSL or reported in the Human Gene Mutation Database (HGMD: prior to June 1st, 2018), and was therefore a candidate for classification through an automated scoring system. Utilizing variant allele frequency, disease prevalence and penetrance estimates, and inheritance mode, an automated score was calculated to assess if this variant is too frequent to cause the disease. Based on the score and internal cut-off values, a variant classified as likely benign is not then subjected to further curation. The score for this variant resulted in a classification of likely benign for this disease.

Breakthrough Genomics
Classification: Likely benign. Review status: criteria provided, single submitter. Criteria: ACMG Guidelines, 2015. Collection method: not provided. Allele origin: germline. Inheritance: Autosomal recessive inheritance. Affected: yes.